The following is an entry in ClinVar:

ClinVar aggregate classification (germline): Pathogenic. Review status: criteria provided, multiple submitters, no conflicts (2 of 4 stars). 2 submissions from 2 submitters: Pathogenic (2). Last evaluated 2019-06-16.

Conditions:
Hypohidrotic X-linked ectodermal dysplasia (XHED). Also called: Christ-Siemans-Touraine syndrome; ECTODERMAL DYSPLASIA, HYPOHIDROTIC, 1; CST SYNDROME; Ectodermal Dysplasia 1, Anhidrotic; ECTODERMAL DYSPLASIA 1, HYPOHIDROTIC/HAIR/TOOTH TYPE, X-LINKED; Anhidrotic ectodermal dysplasia X-linked. Identifiers: Orphanet 181, Orphanet 238468, MedGen C0162359, MONDO:0010585, OMIM 305100.

Submissions (2):

Labcorp Genetics (formerly Invitae), Labcorp
Classification: Pathogenic for Hypohidrotic X-linked ectodermal dysplasia. Last evaluated: 2019-06-16. Review status: criteria provided, single submitter. Criteria: Invitae Variant Classification Sherloc (09022015). Collection method: clinical testing. Allele origin: germline.
Comment: For these reasons, this variant has been classified as Pathogenic. Loss-of-function variants in EDA are known to be pathogenic (PMID: 9683615). This variant has not been reported in the literature in individuals with EDA-related conditions. ClinVar contains an entry for this variant (Variation ID: 163315). This variant is not present in population databases (ExAC no frequency). This sequence change creates a premature translational stop signal (p.Gln226*) in the EDA gene. It is expected to result in an absent or disrupted protein product.

Laboratory for Molecular Medicine, Mass General Brigham Personalized Medicine
Classification: Pathogenic for Hypohidrotic X-linked ectodermal dysplasia. Last evaluated: 2014-08-21. Review status: criteria provided, single submitter. Criteria: LMM Criteria. Collection method: clinical testing. Allele origin: germline. Inheritance: X-linked inheritance. Observed: 1 variant allele.
Comment: The Gln226X variant in EDA has not been previously reported in individuals with hyophidrotic ectodermal dysplasia. Data from large population studies is insuffi cient to assess the frequency of this variant. This nonsense variant leads to a premature termination codon at position 226, which is predicted to lead to a tru ncated or absent protein. Heterozygous loss of function of the EDA gene is an es tablished disease mechanism in XLHED. In summary, this variant meets our criter ia to be classified as pathogenic.

Literature cited by the submitters: PubMed 9683615 (cited by Labcorp Genetics (formerly Invitae), Labcorp).

NM_001399.5(EDA):c.676C>T (p.Gln226Ter)

Gene: EDA (ectodysplasin A; plus strand). Cytogenetic location: Xq13.1.
Variant type: single nucleotide variant.
Coding change: c.676C>T on transcript NM_001399.5 (MANE Select); coding-DNA position 676, C replaced by T.
Protein change: p.Gln226Ter; replaces glutamine 226 with a stop codon.
Molecular consequence: nonsense.
Genome position (GRCh38, 1-based): chrX:70,028,006, C>T. VCF-style: chrX-70028006-C-T. GRCh37 (hg19) VCF-style: chrX-69247856-C-T.
Other names: c.676C>T, p.Gln226Ter (NM_001005609.2, NM_001005612.3); short protein forms Q226*.
Identifiers: ClinVar variation 163315 (VCV000163315.11), dbSNP rs727503007, ClinGen allele CA273141.